The following is an entry in ClinVar:

NC_000017.10:g.(?_78082486)_(78087175_?)del

Gene: GAA (alpha glucosidase; plus strand). Cytogenetic location: 17q25.3.
Variant type: Deletion.
Identifiers: ClinVar variation 1430732 (VCV001430732.7).

ClinVar aggregate classification (germline): Pathogenic (1 of 4 stars; one submission).

Conditions:
Glycogen storage disease, type II (IOPD). Also called: Glucosidase acid-1,4-alpha deficiency; CARDIOMEGALIA GLYCOGENICA DIFFUSA; Glycogen storage disease type 2; Acid maltase deficiency disease; Aglucosidase alfa; Deficiency of alpha-glucosidase. Identifiers: Orphanet 365, MedGen C0017921, MONDO:0009290, OMIM 232300.

Submission:

Labcorp Genetics (formerly Invitae), Labcorp
Classification: Pathogenic for Glycogen storage disease, type II. Last evaluated: 2022-09-03. Review status: criteria provided, single submitter. Criteria: Invitae Variant Classification Sherloc (09022015). Collection method: clinical testing. Allele origin: germline.
Comment: This variant is a gross deletion of the genomic region encompassing exon(s) 8-15 of the GAA gene. This deletion is out-of-frame, and is expected to create a premature termination codon and result in an absent or disrupted protein product. Loss-of-function variants in GAA are known to be pathogenic (PMID: 18425781, 22252923). A similar copy number variant has been observed in individual(s) with glycogen storage disease (PMID: 11854868, 29122469). In at least one individual the data is consistent with being in trans (on the opposite chromosome) from a pathogenic variant. This variant is also known as IVS7-IVS15del. For these reasons, this variant has been classified as Pathogenic.

Literature cited by the submitters: PubMed 18425781; PubMed 22252923; PubMed 11854868; PubMed 29122469.